The following is an entry in ClinVar:

NM_014423.4(AFF4):c.1587G>A (p.Pro529=)

Gene: AFF4 (ALF transcription elongation factor 4; minus strand). Cytogenetic location: 5q31.1.
Variant type: single nucleotide variant.
Coding change: c.1587G>A on transcript NM_014423.4 (MANE Select); coding-DNA position 1587, G replaced by A.
Protein change: p.Pro529=; no amino-acid change (proline 529 retained).
Molecular consequence: synonymous variant.
Genome position (GRCh38, 1-based): chr5:132,897,043, C>T on the plus strand (G>A on the coding strand, the complement: AFF4 is on the minus strand). VCF-style: chr5-132897043-C-T. GRCh37 (hg19) VCF-style: chr5-132232735-C-T.
Identifiers: ClinVar variation 4990059 (VCV004990059.1).

ClinVar aggregate classification (germline): Likely benign (1 of 4 stars; one submission).

Conditions:
AFF4-related disorder. Also called: AFF4-related condition.

gnomAD v4.1: 23 of 1,614,044 alleles (0.0014%); highest among the groups gnomAD compares: South Asian, 0.0055%; no homozygotes.

Submission:

PreventionGenetics, part of Exact Sciences
Classification: Likely benign for AFF4-related condition. Last evaluated: 2026-01-02. Review status: criteria provided, single submitter. Criteria: ACMG Guidelines, 2015. Collection method: clinical testing. Allele origin: germline.
Comment: This variant is classified as likely benign based on ACMG/AMP sequence variant interpretation guidelines (Richards et al. 2015 PMID: 25741868, with internal and published modifications).